The following is an entry in ClinVar:

ClinVar aggregate classification (germline): Uncertain significance (1 of 4 stars; one submission).

Conditions:
Hereditary cancer-predisposing syndrome. Also called: Neoplastic Syndromes, Hereditary; Tumor predisposition; Hereditary Cancer Syndrome; Hereditary neoplastic syndrome. Identifiers: Orphanet 140162, MedGen C0027672, MeSH D009386, MONDO:0015356.

Submission:

Color Diagnostics, LLC DBA Color Health
Classification: Uncertain significance for Hereditary cancer-predisposing syndrome. Last evaluated: 2024-03-06. Review status: criteria provided, single submitter. Criteria: ACMG Guidelines, 2015. Collection method: clinical testing. Allele origin: germline.
Comment: This missense variant replaces serine with phenylalanine at codon 59 of the PALB2 protein. Computational prediction tool suggests that this variant may not impact protein structure and function (internally defined REVEL score threshold <=0.5, PMID: 27666373). Splice site prediction tools suggest that this variant may not impact RNA splicing. To our knowledge, functional studies have not been performed for this variant. This variant has not been reported in individuals affected with hereditary cancer in the literature. This variant has not been identified in the general population by the Genome Aggregation Database (gnomAD). The available evidence is insufficient to determine the role of this variant in disease conclusively. Therefore, this variant is classified as a Variant of Uncertain Significance.

NM_024675.4(PALB2):c.176C>T (p.Ser59Phe)

Gene: PALB2 (partner and localizer of BRCA2; minus strand). Cytogenetic location: 16p12.2.
Variant type: single nucleotide variant.
Coding change: c.176C>T on transcript NM_024675.4 (MANE Select); coding-DNA position 176, C replaced by T.
Protein change: p.Ser59Phe; replaces serine 59 with phenylalanine.
Molecular consequence: missense variant.
Genome position (GRCh38, 1-based): chr16:23,637,885, G>A on the plus strand (C>T on the coding strand, the complement: PALB2 is on the minus strand). VCF-style: chr16-23637885-G-A. GRCh37 (hg19) VCF-style: chr16-23649206-G-A.
Other names: short protein forms S59F.
Identifiers: ClinVar variation 921699 (VCV000921699.4), dbSNP rs1967100960, ClinGen allele CA395139102.